The following is an entry in ClinVar:

ClinVar aggregate classification (germline): Uncertain significance (1 of 4 stars; one submission).

Conditions:
Inborn genetic diseases. Identifiers: MedGen C0950123, MeSH D030342.

Submission:

Ambry Genetics
Classification: Uncertain significance for Inborn genetic diseases. Last evaluated: 2023-11-21. Review status: criteria provided, single submitter. Criteria: Ambry Variant Classification Scheme 2023. Collection method: clinical testing. Allele origin: germline.
Comment: The p.S463N variant (also known as c.1388G>A), located in coding exon 13 of the AKT1 gene, results from a G to A substitution at nucleotide position 1388. The serine at codon 463 is replaced by asparagine, an amino acid with highly similar properties. This amino acid position is conserved. In addition, this alteration is predicted to be tolerated by in silico analysis. Since supporting evidence is limited at this time, the clinical significance of this alteration remains unclear.

NM_001382430.1(AKT1):c.1388G>A (p.Ser463Asn)

Gene: AKT1 (AKT serine/threonine kinase 1; minus strand). Cytogenetic location: 14q32.33.
Variant type: single nucleotide variant.
Coding change: c.1388G>A on transcript NM_001382430.1 (MANE Select); coding-DNA position 1388, G replaced by A.
Protein change: p.Ser463Asn; replaces serine 463 with asparagine.
Molecular consequence: missense variant.
Genome position (GRCh38, 1-based): chr14:104,770,396, C>T on the plus strand (G>A on the coding strand, the complement: AKT1 is on the minus strand). VCF-style: chr14-104770396-C-T. GRCh37 (hg19) VCF-style: chr14-105236733-C-T.
Other names: c.1388G>A, p.Ser463Asn (NM_001014431.2, NM_001014432.2, NM_001382431.1 and 3 more transcripts); short protein forms S463N.
Identifiers: ClinVar variation 3224619 (VCV003224619.1), dbSNP rs2542099607, ClinGen allele CA391214315.